The following is an entry in ClinVar:

ClinVar aggregate classification (germline): Uncertain significance (1 of 4 stars; one submission).

Allele frequency attached by ClinVar (database versions not stated): gnomAD 0.00001; gnomAD exomes 0.00001; ExAC 0.00004.

Submission:

Labcorp Genetics (formerly Invitae), Labcorp
Classification: Uncertain significance. Last evaluated: 2025-01-23. Review status: criteria provided, single submitter. Criteria: Invitae Variant Classification Sherloc (09022015). Collection method: clinical testing. Allele origin: germline.
Comment: This sequence change falls in intron 16 of the DCHS1 gene. It does not directly change the encoded amino acid sequence of the DCHS1 protein. It affects a nucleotide within the consensus splice site. The frequency data for this variant in the population databases is considered unreliable, as metrics indicate poor data quality at this position in the gnomAD database. This variant has not been reported in the literature in individuals affected with DCHS1-related conditions. ClinVar contains an entry for this variant (Variation ID: 2152621). Variants that disrupt the consensus splice site are a relatively common cause of aberrant splicing (PMID: 17576681, 9536098). Algorithms developed to predict the effect of sequence changes on RNA splicing suggest that this variant is not likely to affect RNA splicing. In summary, the available evidence is currently insufficient to determine the role of this variant in disease. Therefore, it has been classified as a Variant of Uncertain Significance.

Literature cited by the submitters: PubMed 17576681; PubMed 9536098.

NM_003737.4(DCHS1):c.6576+4C>T

Gene: DCHS1 (dachsous cadherin-related 1; minus strand). Cytogenetic location: 11p15.4.
Variant type: single nucleotide variant.
Coding change: c.6576+4C>T on transcript NM_003737.4 (MANE Select); 4 bases into the intron after coding-DNA position 6576, C replaced by T.
Molecular consequence: intron variant.
Genome position (GRCh38, 1-based): chr11:6,626,165, G>A on the plus strand (C>T on the coding strand, the complement: DCHS1 is on the minus strand). VCF-style: chr11-6626165-G-A. GRCh37 (hg19) VCF-style: chr11-6647396-G-A.
Identifiers: ClinVar variation 2152621 (VCV002152621.4), dbSNP rs751942943, ClinGen allele CA5859835.